The following is an entry in ClinVar:

ClinVar aggregate classification (germline): Pathogenic (0 of 4 stars; one submission).

Submission:

Quest Diagnostics Nichols Institute San Juan Capistrano
Classification: Pathogenic. Last evaluated: 2021-05-01. Review status: no assertion criteria provided. Collection method: clinical testing. Allele origin: germline.
Comment: The copy number loss of 1p36.13 involves several protein-coding genes, including SDHB (OMIM 185470), and is expected to cause phenotypic and/or developmental abnormalities. This deletion interval partially overlaps the proximal region of 1p36 deletion syndrome (OMIM 607872). An even more proximal region has been recently described, which defines a new contiguous gene deletion syndrome characterized by learning disability or mild intellectual disability, speech delay, behavioral abnormalities, and ptosis. The smallest region of overlap spans 1 Mb at 1p36.13-1p36.12 and is fully encompassed in the current deletion interval (Aagaard et al., Clin Genet. 2020 Jun;97(6):927-932. PMID: 32170730). Additionally, haploinsufficiency of SDHB is associated with the autosomal dominant malignancies paragangliomas-4 (OMIM 115310), pheochromocytoma (OMIM 171300) and gastrointestinal stromal tumors (OMIM 606764). Reduced penetrance of SDHB pathogenic variants has been suggested at 25-40% (Yehia et al., Am J Hum Genet. 2015 Nov 5;97(5):661-76. PMID: 26522472; Schiavi et al., Hum Mutat. 2010 Jun;31(6):761-2. PMID: 20513144; Ricketts et al., Hum Mutat. 2010 Jan;31(1):41-51. PMID: 19802898). There are multiple genes in this copy number loss that are associated with autosomal recessive disorders: SDHB, ATP13A2 (OMIM 610513), PADI3 (OMIM 606755), PADI6 (OMIM 610363), PAX7 (OMIM 167410), ALDH4A1 (OMIM 606811), and EMC1 (OMIM 616846).

GRCh37/hg19 1p36.13(chr1:16773001-20221073)x1

Genes: ACTL8 (actin like 8; plus strand), AKR7A2 (aldo-keto reductase family 7 member A2; minus strand), AKR7A3 (aldo-keto reductase family 7 member A3; minus strand), AKR7L (aldo-keto reductase family 7 like (gene/pseudogene); minus strand), ALDH4A1 (aldehyde dehydrogenase 4 family member A1; minus strand) and 35 more. Cytogenetic location: 1p36.13.
Variant type: copy number loss.
Change: copy number 1 (one copy instead of two) of chr1:16,773,001-20,221,073 (3.45 Mb, GRCh37 coordinates, 1-based), cytogenetic band 1p36.13.
Identifiers: ClinVar variation 1340990 (VCV001340990.1).